The following is an entry in ClinVar:

NM_014874.4(MFN2):c.1064A>G (p.Lys355Arg)

Gene: MFN2 (mitofusin 2; plus strand). Cytogenetic location: 1p36.22.
Variant type: single nucleotide variant.
Coding change: c.1064A>G on transcript NM_014874.4 (MANE Select); coding-DNA position 1064, A replaced by G.
Protein change: p.Lys355Arg; replaces lysine 355 with arginine.
Molecular consequence: missense variant.
Genome position (GRCh38, 1-based): chr1:12,002,007, A>G. VCF-style: chr1-12002007-A-G. GRCh37 (hg19) VCF-style: chr1-12062064-A-G.
Other names: c.1064A>G, p.Lys355Arg (NM_001127660.2); short protein forms K355R.
Identifiers: ClinVar variation 660020 (VCV000660020.8), dbSNP rs143747551, ClinGen allele CA18010298.

ClinVar aggregate classification (germline): Uncertain significance (1 of 4 stars; one submission).

Conditions:
Charcot-Marie-Tooth disease type 2. Also called: Charcot-Marie-Tooth type 2. Identifiers: Orphanet 64746, MedGen C0270914, MONDO:0018993.

Allele frequency attached by ClinVar (database versions not stated): TOPMed 0.00001; gnomAD 0.00001; ESP Exome Variant Server 0.00008; gnomAD exomes below 0.00001.
gnomAD v4.1: 2 of 1,614,050 alleles (0.00012%); highest among the groups gnomAD compares: Non-Finnish European, 0.00017%; no homozygotes.

Submission:

Labcorp Genetics (formerly Invitae), Labcorp
Classification: Uncertain significance for Charcot-Marie-Tooth disease type 2. Last evaluated: 2018-10-21. Review status: criteria provided, single submitter. Criteria: Invitae Variant Classification Sherloc (09022015). Collection method: clinical testing. Allele origin: germline.
Comment: In summary, the available evidence is currently insufficient to determine the role of this variant in disease. Therefore, it has been classified as a Variant of Uncertain Significance. Algorithms developed to predict the effect of missense changes on protein structure and function are either unavailable or do not agree on the potential impact of this missense change (SIFT: "Tolerated"; PolyPhen-2: "Probably Damaging"; Align-GVGD: "Class C0"). This variant has not been reported in the literature in individuals with MFN2-related disease. This variant is not present in population databases (ExAC no frequency). This sequence change replaces lysine with arginine at codon 355 of the MFN2 protein (p.Lys355Arg). The lysine residue is highly conserved and there is a small physicochemical difference between lysine and arginine.